The following is an entry in ClinVar:

ClinVar aggregate classification (germline): Uncertain significance (1 of 4 stars; one submission).

Submission:

Ambry Genetics
Classification: Uncertain significance. Last evaluated: 2023-12-26. Review status: criteria provided, single submitter. Criteria: Ambry Variant Classification Scheme 2023. Collection method: clinical testing. Allele origin: germline.
Comment: The p.P1415S variant (also known as c.4243C>T), located in coding exon 16 of the POLQ gene, results from a C to T substitution at nucleotide position 4243. The proline at codon 1415 is replaced by serine, an amino acid with similar properties. This amino acid position is conserved. In addition, this alteration is predicted to be tolerated by in silico analysis. Since supporting evidence is limited at this time, the clinical significance of this alteration remains unclear.

NM_199420.4(POLQ):c.4243C>T (p.Pro1415Ser)

Gene: POLQ (DNA polymerase theta; minus strand). Cytogenetic location: 3q13.33.
Variant type: single nucleotide variant.
Coding change: c.4243C>T on transcript NM_199420.4 (MANE Select); coding-DNA position 4243, C replaced by T.
Protein change: p.Pro1415Ser; replaces proline 1415 with serine.
Molecular consequence: missense variant.
Genome position (GRCh38, 1-based): chr3:121,488,688, G>A on the plus strand (C>T on the coding strand, the complement: POLQ is on the minus strand). VCF-style: chr3-121488688-G-A. GRCh37 (hg19) VCF-style: chr3-121207535-G-A.
Other names: short protein forms P1415S.
Identifiers: ClinVar variation 1739018 (VCV001739018.2), dbSNP rs2546786101, ClinGen allele CA354095639.
Genomic context (GRCh38, chr3:121,488,688, plus strand): 5'-CTTCATTCTTTTTTAAAAAAAGACCATTTTCCTCCAATAGTATTGGAGAATGGAAAATCG[G>A]GCTTTCTGGAGTCAGGATATCAACCCCATGTGAATCACTGCTTTGTTTCATAGTACCTAC-3'
Protein context (NP_955452.3, residues 1405-1425): HGVDILTPES[Pro1415Ser]IFHSPILLEE